The following is an entry in ClinVar:

NM_139242.4(MTFMT):c.637G>A (p.Ala213Thr)

Gene: MTFMT (mitochondrial methionyl-tRNA formyltransferase; minus strand). Cytogenetic location: 15q22.31.
Variant type: single nucleotide variant.
Coding change: c.637G>A on transcript NM_139242.4 (MANE Select); coding-DNA position 637, G replaced by A.
Protein change: p.Ala213Thr; replaces alanine 213 with threonine.
Molecular consequence: missense variant.
Genome position (GRCh38, 1-based): chr15:65,021,522, C>T on the plus strand (G>A on the coding strand, the complement: MTFMT is on the minus strand). VCF-style: chr15-65021522-C-T. GRCh37 (hg19) VCF-style: chr15-65313860-C-T.
Other names: p.Ala213Thr; short protein forms A213T.
Identifiers: ClinVar variation 1307130 (VCV001307130.3), dbSNP rs2086373721, ClinGen allele CA392853543.

ClinVar aggregate classification (germline): Uncertain significance. Review status: criteria provided, multiple submitters, no conflicts (2 of 4 stars). 2 submissions from 2 submitters: Uncertain significance (2). Last evaluated 2025-06-18.

Allele frequency attached by ClinVar (database versions not stated): gnomAD exomes 0.00004; TOPMed 0.00001.
gnomAD v4.1: 60 of 1,608,442 alleles (0.0037%); highest among the groups gnomAD compares: Non-Finnish European, 0.0051%; no homozygotes.

Submissions (2):

Mayo Clinic Laboratories, Mayo Clinic
Classification: Uncertain significance. Last evaluated: 2025-06-18. Review status: criteria provided, single submitter. Criteria: ACMG Guidelines, 2015. Collection method: clinical testing. Allele origin: germline. Observed: 1 variant allele.

GeneDx
Classification: Uncertain significance. Last evaluated: 2019-07-17. Review status: criteria provided, single submitter. Criteria: GeneDx Variant Classification Process June 2021. Collection method: clinical testing. Allele origin: germline. Affected: yes.
Comment: Has not been previously published as pathogenic or benign to our knowledge; Not observed in large population cohorts (Lek et al., 2016); In silico analysis, which includes protein predictors and evolutionary conservation, supports a deleterious effect